The following is an entry in ClinVar:

ClinVar aggregate classification (germline): Uncertain significance. Review status: criteria provided, multiple submitters, no conflicts (2 of 4 stars). 2 submissions from 2 submitters: Uncertain significance (2). Last evaluated 2025-06-17.

Conditions:
Inborn genetic diseases. Identifiers: MedGen C0950123, MeSH D030342.

Allele frequency attached by ClinVar (database versions not stated): ExAC 0.00001; gnomAD exomes 0.00001; gnomAD 0.00001.
gnomAD v4.1: 7 of 1,613,968 alleles (0.00043%); highest among the groups gnomAD compares: South Asian, 0.0033%; no homozygotes.

Submissions (2):

Ambry Genetics
Classification: Uncertain significance for Inborn genetic diseases. Last evaluated: 2025-06-17. Review status: criteria provided, single submitter. Criteria: Ambry Variant Classification Scheme 2023. Collection method: clinical testing. Allele origin: germline.

Labcorp Genetics (formerly Invitae), Labcorp
Classification: Uncertain significance. Last evaluated: 2024-12-02. Review status: criteria provided, single submitter. Criteria: Invitae Variant Classification Sherloc (09022015). Collection method: clinical testing. Allele origin: germline.
Comment: This sequence change replaces tyrosine, which is neutral and polar, with cysteine, which is neutral and slightly polar, at codon 317 of the P3H2 protein (p.Tyr317Cys). This variant is present in population databases (rs777638857, gnomAD 0.004%). This variant has not been reported in the literature in individuals affected with P3H2-related conditions. ClinVar contains an entry for this variant (Variation ID: 1055595). Invitae Evidence Modeling of protein sequence and biophysical properties (such as structural, functional, and spatial information, amino acid conservation, physicochemical variation, residue mobility, and thermodynamic stability) indicates that this missense variant is expected to disrupt P3H2 protein function with a positive predictive value of 80%. In summary, the available evidence is currently insufficient to determine the role of this variant in disease. Therefore, it has been classified as a Variant of Uncertain Significance.

NM_018192.4(P3H2):c.950A>G (p.Tyr317Cys)

Gene: P3H2 (prolyl 3-hydroxylase 2; minus strand). Cytogenetic location: 3q28.
Variant type: single nucleotide variant.
Coding change: c.950A>G on transcript NM_018192.4 (MANE Select); coding-DNA position 950, A replaced by G.
Protein change: p.Tyr317Cys; replaces tyrosine 317 with cysteine.
Molecular consequence: missense variant.
Genome position (GRCh38, 1-based): chr3:189,988,912, T>C on the plus strand (A>G on the coding strand, the complement: P3H2 is on the minus strand). VCF-style: chr3-189988912-T-C. GRCh37 (hg19) VCF-style: chr3-189706701-T-C.
Other names: c.407A>G, p.Tyr136Cys (NM_001134418.2); c.950A>G (NM_018192.3); short protein forms Y136C, Y317C.
Identifiers: ClinVar variation 1055595 (VCV001055595.5), dbSNP rs777638857, ClinGen allele CA2753174.